The following is an entry in ClinVar:

NM_004064.5(CDKN1B):c.49_52del (p.Asp17fs)

Gene: CDKN1B (cyclin dependent kinase inhibitor 1B; plus strand). Cytogenetic location: 12p13.1.
Variant type: Deletion.
Coding change: c.49_52del on transcript NM_004064.5 (MANE Select); coding-DNA positions 49 to 52, 4 bases deleted (GACG; older notation c.49_52delGACG).
Protein change: p.Asp17fs; shifts the reading frame from aspartic acid 17.
Molecular consequence: frameshift variant.
Genome position (GRCh38, 1-based): chr12:12,717,888-12,717,891, GACG deleted; deleting any 4 consecutive bases within chr12:12,717,887-12,717,891 gives the same sequence; the c. name uses the placement nearest the transcript's 3' end. VCF-style (leftmost placement, unchanged base first): chr12-12717886-TGGAC-T. GRCh37 (hg19) VCF-style: chr12-12870820-TGGAC-T.
Other names: c.49_52delGACG (NM_004064.4); short protein forms D17fs.
Identifiers: ClinVar variation 404266 (VCV000404266.6), dbSNP rs1060500186, ClinGen allele CA16613684.

ClinVar aggregate classification (germline): Pathogenic (1 of 4 stars; one submission).

Conditions:
Multiple endocrine neoplasia type 4. Also called: MULTIPLE ENDOCRINE NEOPLASIA, TYPE IV. Identifiers: Orphanet 276152, MedGen C1970712, MONDO:0012552, OMIM 610755.

Submission:

Labcorp Genetics (formerly Invitae), Labcorp
Classification: Pathogenic for Multiple endocrine neoplasia type 4. Last evaluated: 2016-10-21. Review status: criteria provided, single submitter. Criteria: Invitae Variant Classification Sherloc (09022015). Collection method: clinical testing. Allele origin: germline.
Comment: For these reasons, this variant has been classified as Pathogenic. While this particular variant has not been reported in the literature, loss-of-function variants in CDKN1B are known to be pathogenic (PMID: 17030811, 24819502). This sequence change deletes 4 nucleotides from exon 1 of the CDKN1B mRNA (c.49_52delGACG), causing a frameshift at codon 17. This creates a premature translational stop signal (p.Asp17Profs*24) and is expected to result in an absent or disrupted protein product.

Literature cited by the submitters: PubMed 17030811; PubMed 24819502.